The following is an entry in ClinVar:

ClinVar aggregate classification (germline): Uncertain significance (1 of 4 stars; one submission).

Conditions:
Congenital myasthenic syndrome 8. Also called: Myasthenic syndrome, congenital, 8, with pre- and postsynaptic defects; MYASTHENIC SYNDROME, CONGENITAL, DUE TO AGRIN DEFICIENCY. Identifiers: Orphanet 590, MedGen C3808739, MONDO:0014052, OMIM 615120.

Allele frequency attached by ClinVar (database versions not stated): gnomAD exomes below 0.00001; TOPMed 0.00001.
gnomAD v4.1: 2 of 1,612,924 alleles (0.00012%); highest among the groups gnomAD compares: Admixed American, 0.0017%; no homozygotes.

Submission:

Labcorp Genetics (formerly Invitae), Labcorp
Classification: Uncertain significance for Congenital myasthenic syndrome 8. Last evaluated: 2023-08-10. Review status: criteria provided, single submitter. Criteria: Invitae Variant Classification Sherloc (09022015). Collection method: clinical testing. Allele origin: germline.
Comment: In summary, the available evidence is currently insufficient to determine the role of this variant in disease. Therefore, it has been classified as a Variant of Uncertain Significance. This sequence change replaces glycine, which is neutral and non-polar, with aspartic acid, which is acidic and polar, at codon 1672 of the AGRN protein (p.Gly1672Asp). This variant is not present in population databases (gnomAD no frequency). This variant has not been reported in the literature in individuals affected with AGRN-related conditions. ClinVar contains an entry for this variant (Variation ID: 650750). An algorithm developed to predict the effect of missense changes on protein structure and function (PolyPhen-2) suggests that this variant is likely to be tolerated.

NM_198576.4(AGRN):c.5015G>A (p.Gly1672Asp)

Gene: AGRN (agrin; plus strand). Cytogenetic location: 1p36.33.
Variant type: single nucleotide variant.
Coding change: c.5015G>A on transcript NM_198576.4 (MANE Select); coding-DNA position 5015, G replaced by A.
Protein change: p.Gly1672Asp; replaces glycine 1672 with aspartic acid.
Molecular consequence: missense variant.
Genome position (GRCh38, 1-based): chr1:1,050,465, G>A. VCF-style: chr1-1050465-G-A. GRCh37 (hg19) VCF-style: chr1-985845-G-A.
Other names: c.5015G>A, p.Gly1672Asp (NM_001305275.2); c.4700G>A, p.Gly1567Asp (NM_001364727.2); short protein forms G1567D, G1672D.
Identifiers: ClinVar variation 650750 (VCV000650750.6), dbSNP rs1570244934, ClinGen allele CA337779936.